The following is an entry in ClinVar:

NM_001394998.1(TANC2):c.3872C>G (p.Thr1291Ser)

Genes: TANC2 (tetratricopeptide repeat, ankyrin repeat and coiled-coil containing 2; plus strand), LOC105371856 (uncharacterized LOC105371856; minus strand). Cytogenetic location: 17q23.3.
Variant type: single nucleotide variant.
Coding change: c.3872C>G on transcript NM_001394998.1 (MANE Select); coding-DNA position 3872, C replaced by G.
Protein change: p.Thr1291Ser; replaces threonine 1291 with serine.
Molecular consequence: missense variant.
Genome position (GRCh38, 1-based): chr17:63,412,104, C>G. VCF-style: chr17-63412104-C-G. GRCh37 (hg19) VCF-style: chr17-61489465-C-G.
Other names: c.3650C>G, p.Thr1217Ser (NM_001411076.1, NM_025185.4); short protein forms T1217S, T1291S.
Identifiers: ClinVar variation 4997613 (VCV004997613.1).

ClinVar aggregate classification (germline): Uncertain significance (1 of 4 stars; one submission).

Conditions:
TANC2-related disorder. Also called: TANC2-related condition.

gnomAD v4.1: 5 of 1,613,844 alleles (0.00031%); highest among the groups gnomAD compares: East Asian, 0.0022%; no homozygotes.

Submission:

PreventionGenetics, part of Exact Sciences
Classification: Uncertain significance for TANC2-related condition. Last evaluated: 2025-04-14. Review status: criteria provided, single submitter. Criteria: ACMG Guidelines, 2015. Collection method: clinical testing. Allele origin: germline.
Comment: The TANC2 c.3650C>G variant is predicted to result in the amino acid substitution p.Thr1217Ser. To our knowledge, this variant has not been reported in the literature. This variant is reported in 0.00089% of alleles in individuals of European (Non-Finnish) descent in gnomAD. At this time, the clinical significance of this variant is uncertain due to the absence of conclusive functional and genetic evidence.